The following is an entry in ClinVar:

NM_014956.5(CEP164):c.1152+2dup

Gene: CEP164 (centrosomal protein 164; plus strand). Cytogenetic location: 11q23.3.
Variant type: Duplication.
Coding change: c.1152+2dup on transcript NM_014956.5 (MANE Select); the canonical splice donor site of the intron after coding-DNA position 1152, one base duplicated (T; older notation c.1152+2dupT).
Molecular consequence: splice donor variant.
Genome position (GRCh38, 1-based): chr11:117,371,468, T duplicated. VCF-style (leftmost placement, unchanged base first): chr11-117371467-G-GT. GRCh37 (hg19) VCF-style: chr11-117242183-G-GT.
Other names: c.1152+2dup (NM_001271933.2).
Identifiers: ClinVar variation 1369242 (VCV001369242.6), dbSNP rs1592221277, ClinGen allele CA918976782.
Genomic context (GRCh38, chr11:117,371,467, plus strand): 5'-GCCAAGGAGCCAAAGAAGAAGGCTTCTGCTCTGGAAGAGGGCAGTTCAGACGCCAGCCAA[G>GT]TAAGTCACTGTATCCCATAGGCAGGGGTTGGCTGTAGCCCTCTGCTGCTCTGTTCAGCCC-3'

ClinVar aggregate classification (germline): Uncertain significance (1 of 4 stars; one submission).

Conditions:
Nephronophthisis 15 (NPHP15). Identifiers: Orphanet 3156, MedGen C3541853, MONDO:0013917, OMIM 614845.

Submission:

Labcorp Genetics (formerly Invitae), Labcorp
Classification: Uncertain significance for Nephronophthisis 15. Last evaluated: 2021-02-03. Review status: criteria provided, single submitter. Criteria: Invitae Variant Classification Sherloc (09022015). Collection method: clinical testing. Allele origin: germline.
Comment: In summary, the available evidence is currently insufficient to determine the role of this variant in disease. Therefore, it has been classified as a Variant of Uncertain Significance. Nucleotide substitutions within the consensus splice site are a relatively common cause of aberrant splicing (PMID: 17576681, 9536098). Algorithms developed to predict the effect of sequence changes on RNA splicing suggest that this variant may disrupt the consensus splice site, but this prediction has not been confirmed by published transcriptional studies. This variant has not been reported in the literature in individuals with CEP164-related conditions. This variant is not present in population databases (ExAC no frequency). This sequence change falls in intron 9 of the CEP164 gene. It does not directly change the encoded amino acid sequence of the CEP164 protein. It affects a nucleotide within the consensus splice site of the intron.

Literature cited by the submitters: PubMed 17576681; PubMed 9536098.